The following is an entry in ClinVar:

NM_004727.3(SLC24A1):c.1445G>T (p.Gly482Val)

Gene: SLC24A1 (solute carrier family 24 member 1; plus strand). Cytogenetic location: 15q22.31.
Variant type: single nucleotide variant.
Coding change: c.1445G>T on transcript NM_004727.3 (MANE Select); coding-DNA position 1445, G replaced by T.
Protein change: p.Gly482Val; replaces glycine 482 with valine.
Molecular consequence: missense variant.
Genome position (GRCh38, 1-based): chr15:65,625,525, G>T. VCF-style: chr15-65625525-G-T. GRCh37 (hg19) VCF-style: chr15-65917863-G-T.
Other names: c.1445G>T, p.Gly482Val (NM_001301031.1, NM_001301032.1, NM_001301033.2); c.1445G>T (NM_004727.2); short protein forms G482V.
Identifiers: ClinVar variation 1440932 (VCV001440932.6), dbSNP rs199589503, ClinGen allele CA7619909.

ClinVar aggregate classification (germline): Uncertain significance. Review status: criteria provided, multiple submitters, no conflicts (2 of 4 stars). 3 submissions from 3 submitters: Uncertain significance (3). Last evaluated 2024-10-15.

Conditions:
Inborn genetic diseases. Identifiers: MedGen C0950123, MeSH D030342.

gnomAD v4.1: 42 of 1,613,918 alleles (0.0026%); highest among the groups gnomAD compares: Non-Finnish European, 0.0035%; no homozygotes.

Submissions (3):

Labcorp Genetics (formerly Invitae), Labcorp
Classification: Uncertain significance. Last evaluated: 2024-10-15. Review status: criteria provided, single submitter. Criteria: Invitae Variant Classification Sherloc (09022015). Collection method: clinical testing. Allele origin: germline.
Comment: This sequence change replaces glycine, which is neutral and non-polar, with valine, which is neutral and non-polar, at codon 482 of the SLC24A1 protein (p.Gly482Val). This variant is not present in population databases (gnomAD no frequency). This variant has not been reported in the literature in individuals affected with SLC24A1-related conditions. ClinVar contains an entry for this variant (Variation ID: 1440932). An algorithm developed to predict the effect of missense changes on protein structure and function (PolyPhen-2) suggests that this variant is likely to be disruptive. In summary, the available evidence is currently insufficient to determine the role of this variant in disease. Therefore, it has been classified as a Variant of Uncertain Significance.

Ambry Genetics
Classification: Uncertain significance for Inborn genetic diseases. Last evaluated: 2024-06-07. Review status: criteria provided, single submitter. Criteria: Ambry Variant Classification Scheme 2023. Collection method: clinical testing. Allele origin: germline.

Blueprint Genetics
Classification: Uncertain significance. Last evaluated: 2019-08-21. Review status: criteria provided, single submitter. Criteria: ACMG Guidelines, 2015. Collection method: clinical testing. Allele origin: germline.